The following is an entry in ClinVar:

NM_001374353.1(GLI2):c.4147G>T (p.Gly1383Cys)

Gene: GLI2 (GLI family zinc finger 2; plus strand). Cytogenetic location: 2q14.2.
Variant type: single nucleotide variant.
Coding change: c.4147G>T on transcript NM_001374353.1 (MANE Select); coding-DNA position 4147, G replaced by T.
Protein change: p.Gly1383Cys; replaces glycine 1383 with cysteine.
Molecular consequence: missense variant.
Genome position (GRCh38, 1-based): chr2:120,990,112, G>T. VCF-style: chr2-120990112-G-T. GRCh37 (hg19) VCF-style: chr2-121747688-G-T.
Other names: c.4198G>T, p.Gly1400Cys (NM_001371271.1, NM_005270.5); c.3772G>T, p.Gly1258Cys (NM_001374354.1); short protein forms G1400C, G1258C, G1383C.
Identifiers: ClinVar variation 475119 (VCV000475119.58), dbSNP rs143914758, ClinGen allele CA1852564.

ClinVar aggregate classification (germline): Conflicting classifications of pathogenicity. Review status: criteria provided, conflicting classifications (1 of 4 stars). 6 submissions from 6 submitters: Uncertain significance (2); Likely benign (4). Last evaluated 2026-07-08.

Conditions:
Holoprosencephaly 9 (HPE9). Also called: PITUITARY ANOMALIES WITH HOLOPROSENCEPHALY-LIKE FEATURES; HOLOPROSENCEPHALY WITH MICROPHTHALMIA AND FIRST BRANCHIAL ARCH ANOMALIES. Identifiers: Orphanet 2162, MedGen C1835819, MONDO:0012563, OMIM 610829.
Inborn genetic diseases. Identifiers: MedGen C0950123, MeSH D030342.
Postaxial polydactyly-anterior pituitary anomalies-facial dysmorphism syndrome. Also called: Culler-Jones syndrome. Identifiers: Orphanet 420584, MedGen C4014479, MONDO:0014369, OMIM 615849.

Allele frequency attached by ClinVar (database versions not stated): gnomAD exomes 0.00011 and 0.00024; gnomAD 0.00012 and 0.00013; ExAC 0.00014; TOPMed 0.00014; 1000 Genomes Project 30x 0.00016; 1000 Genomes Project 0.00020; ESP Exome Variant Server 0.00038.
gnomAD v4.1: 364 of 1,603,028 alleles (0.023%); highest among the groups gnomAD compares: Non-Finnish European, 0.029%; 1 homozygote.

Submissions (6):

Ambry Genetics
Classification: Likely benign for Inborn genetic diseases. Last evaluated: 2026-07-08. Review status: criteria provided, single submitter. Criteria: Ambry Variant Classification Scheme 2023. Collection method: clinical testing. Allele origin: germline.

Labcorp Genetics (formerly Invitae), Labcorp
Classification: Uncertain significance for Postaxial polydactyly-anterior pituitary anomalies-facial dysmorphism syndrome; Holoprosencephaly 9. Last evaluated: 2025-05-20. Review status: criteria provided, single submitter. Criteria: Invitae Variant Classification Sherloc (09022015). Collection method: clinical testing. Allele origin: germline.
Comment: This sequence change replaces glycine, which is neutral and non-polar, with cysteine, which is neutral and slightly polar, at codon 1400 of the GLI2 protein (p.Gly1400Cys). This variant is present in population databases (rs143914758, gnomAD 0.02%). This variant has not been reported in the literature in individuals affected with GLI2-related conditions. ClinVar contains an entry for this variant (Variation ID: 475119). Invitae Evidence Modeling of protein sequence and biophysical properties (such as structural, functional, and spatial information, amino acid conservation, physicochemical variation, residue mobility, and thermodynamic stability) indicates that this missense variant is not expected to disrupt GLI2 protein function with a negative predictive value of 80%. In summary, the available evidence is currently insufficient to determine the role of this variant in disease. Therefore, it has been classified as a Variant of Uncertain Significance.

CeGaT Center for Human Genetics Tuebingen
Classification: Likely benign. Last evaluated: 2025-04-01. Review status: criteria provided, single submitter. Criteria: CeGaT Center For Human Genetics Tuebingen Variant Classification Criteria Version 2. Collection method: clinical testing. Allele origin: germline. Affected: yes. Observed: 2 variant alleles.
Comment: GLI2: BP4

Blueprint Genetics
Classification: Likely benign. Last evaluated: 2023-12-21. Review status: criteria provided, single submitter. Criteria: ACMG Guidelines, 2015. Collection method: clinical testing. Allele origin: germline.

Eurofins Ntd Llc (ga)
Classification: Uncertain significance. Last evaluated: 2018-09-18. Review status: criteria provided, single submitter. Criteria: EGL ClinVar v180209 classification definitions. Collection method: clinical testing. Allele origin: germline. Observed: 3 variant alleles, 3 heterozygotes.

Illumina Laboratory Services, Illumina
Classification: Likely benign for Holoprosencephaly 9. Last evaluated: 2017-09-14. Review status: criteria provided, single submitter. Criteria: ICSL Variant Classification Criteria 13 December 2019. Collection method: clinical testing. Allele origin: germline.
Comment: This variant was observed as part of a predisposition screen in an ostensibly healthy population. A literature search was performed for the gene, cDNA change, and amino acid change (where applicable). No publications were found based on this search. Allele frequency data from public databases allowed determination this variant is unlikely to cause disease. Therefore, this variant is classified as likely benign.